The following is an entry in ClinVar:

NM_001903.5(CTNNA1):c.2688_2689insTG (p.Leu897fs)

Gene: CTNNA1 (catenin alpha 1; plus strand). Cytogenetic location: 5q31.2.
Variant type: Insertion.
Coding change: c.2688_2689insTG on transcript NM_001903.5 (MANE Select); coding-DNA positions 2688 to 2689, TG inserted.
Protein change: p.Leu897fs; shifts the reading frame from leucine 897.
Molecular consequence: frameshift variant. On other transcripts: 3 prime UTR variant (5).
Genome position: GRCh38 VCF-style: chr5-138934056-C-CTG. GRCh37 (hg19) VCF-style: chr5-138269745-C-CTG.
Other names: c.*233_*234insTG (NM_001290307.3, NM_001324002.1, NM_001324003.1 and 2 more transcripts); c.2379_2380insTG, p.Leu794fs (NM_001290309.3); c.2319_2320insTG, p.Leu774fs (NM_001290310.3); c.1578_1579insTG, p.Leu527fs (NM_001290312.1, NM_001323987.1, NM_001323988.1 and 12 more transcripts); c.2688_2689insTG, p.Leu897fs (NM_001323982.2, NM_001323983.1, NM_001323984.2); c.2661_2662insTG, p.Leu888fs (NM_001323985.2); c.2595_2596insTG, p.Leu866fs (NM_001323986.2); c.1443_1444insTG, p.Leu482fs (NM_001324001.1); and 3 more; short protein forms L496fs, L774fs, L414fs, L897fs, L446fs, L794fs, L482fs, L527fs.
Identifiers: ClinVar variation 1395792 (VCV001395792.6), dbSNP rs2150360420, ClinGen allele CA2573139172.

ClinVar aggregate classification (germline): Uncertain significance (1 of 4 stars; one submission).

Submission:

Labcorp Genetics (formerly Invitae), Labcorp
Classification: Uncertain significance. Last evaluated: 2020-12-06. Review status: criteria provided, single submitter. Criteria: Invitae Variant Classification Sherloc (09022015). Collection method: clinical testing. Allele origin: germline.
Comment: This variant is not present in population databases (ExAC no frequency). In summary, the available evidence is currently insufficient to determine the role of this variant in disease. Therefore, it has been classified as a Variant of Uncertain Significance. Experimental studies and prediction algorithms are not available or were not evaluated, and the functional significance of this variant is currently unknown. This variant has not been reported in the literature in individuals with CTNNA1-related conditions. This sequence change results in a frameshift in the CTNNA1 gene (p.Leu897Cysfs*35). While this is not anticipated to result in nonsense mediated decay, it is expected to disrupt the last 10 amino acid(s) of the CTNNA1 protein and extend the protein by 24 additional amino acid residues.